The following is an entry in ClinVar:

ClinVar aggregate classification (germline): Uncertain significance (1 of 4 stars; one submission).

Allele frequency attached by ClinVar (database versions not stated): gnomAD exomes 0.00001.
gnomAD v4.1: 4 of 1,614,150 alleles (0.00025%); highest among the groups gnomAD compares: South Asian, 0.0033%; no homozygotes.

Submission:

Labcorp Genetics (formerly Invitae), Labcorp
Classification: Uncertain significance. Last evaluated: 2022-05-31. Review status: criteria provided, single submitter. Criteria: Invitae Variant Classification Sherloc (09022015). Collection method: clinical testing. Allele origin: germline.
Comment: This variant is not present in population databases (gnomAD no frequency). This sequence change replaces glycine, which is neutral and non-polar, with glutamic acid, which is acidic and polar, at codon 963 of the ALPK1 protein (p.Gly963Glu). This variant has not been reported in the literature in individuals affected with ALPK1-related conditions. In summary, the available evidence is currently insufficient to determine the role of this variant in disease. Therefore, it has been classified as a Variant of Uncertain Significance. Algorithms developed to predict the effect of missense changes on protein structure and function are either unavailable or do not agree on the potential impact of this missense change (SIFT: "Deleterious"; PolyPhen-2: "Probably Damaging"; Align-GVGD: "Class C0").

NM_025144.4(ALPK1):c.2888G>A (p.Gly963Glu)

Gene: ALPK1 (alpha kinase 1; plus strand). Cytogenetic location: 4q25.
Variant type: single nucleotide variant.
Coding change: c.2888G>A on transcript NM_025144.4 (MANE Select); coding-DNA position 2888, G replaced by A.
Protein change: p.Gly963Glu; replaces glycine 963 with glutamic acid.
Molecular consequence: missense variant.
Genome position (GRCh38, 1-based): chr4:112,432,435, G>A. VCF-style: chr4-112432435-G-A. GRCh37 (hg19) VCF-style: chr4-113353591-G-A.
Other names: c.2888G>A, p.Gly963Glu (NM_001102406.2); c.2654G>A, p.Gly885Glu (NM_001253884.2); short protein forms G885E, G963E.
Identifiers: ClinVar variation 2093150 (VCV002093150.4), dbSNP rs1467137588, ClinGen allele CA357902538.